The following is an entry in ClinVar:

ClinVar aggregate classification (germline): Uncertain significance. Review status: reviewed by expert panel (3 of 4 stars). 5 submissions from 5 submitters: Uncertain significance (1). 4 of the submissions do not count toward it. Last evaluated 2024-02-26.

Conditions:
Recombinase activating gene 1 deficiency. Identifiers: MedGen CN375631, MONDO:0000572.
Severe combined immunodeficiency, autosomal recessive, T cell-negative, B cell-negative, NK cell-positive. Also called: SCID, T CELL-NEGATIVE, B CELL-NEGATIVE, NK CELL-POSITIVE; Severe combined immunodeficiency due to complete RAG1/2 deficiency; SCID, AR, T-cell negative, B-cell negative, NK cell-positive. Identifiers: Orphanet 331206, MedGen C1832322, MONDO:0011086, OMIM 601457.
Histiocytic medullary reticulosis. Also called: SEVERE COMBINED IMMUNODEFICIENCY WITH HYPEREOSINOPHILIA; Omenn syndrome. Identifiers: Orphanet 39041, MedGen C2700553, MONDO:0011338, OMIM 603554.
Combined immunodeficiency with skin granulomas. Identifiers: Orphanet 157949, MedGen C2673536, MONDO:0009306, OMIM 233650.
Combined immunodeficiency due to partial RAG1 deficiency. Identifiers: Orphanet 231154, MedGen C1835931, MONDO:0012359, OMIM 609889.

Allele frequency attached by ClinVar (database versions not stated): ExAC 0.00001; gnomAD 0.00001; gnomAD exomes 0.00001 and 0.00002; TOPMed 0.00001.
gnomAD v4.1: 26 of 1,614,070 alleles (0.0016%); highest among the groups gnomAD compares: South Asian, 0.0022%; no homozygotes.

Submissions (5):

ClinGen Severe Combined Immunodeficiency Variant Curation Expert Panel, ClinGen
Classification: Uncertain significance for Recombinase activating gene 1 deficiency. Last evaluated: 2024-02-26. Review status: reviewed by expert panel. Criteria: ClinGen SCID ACMG Specifications RAG1 V1.0.0. Collection method: curation. Allele origin: germline. Inheritance: Autosomal recessive inheritance.
Comment: NM_000448.3(RAG1):c.2291G>A is a missense variant predicted to cause substitution of Arginine by Histidine at amino acid 764 (p.Arg764His). This missense variant is located in the core domain (amino acids 387-1011) (PM1_supporting). The filtering allele frequency (the upper threshold of the 95% CI of 22/1180042) of the c.2291G>A variant in RAG1 is 0.00001213 for European Non-Finnish chromosomes by gnomAD v4, which is lower than the ClinGen SCID VCEP threshold (<0.000102) for PM2_Supporting, and therefore meets this criterion (PM2_Supporting). Two missense variants c. 2291G>C, p.R764P (PMID: 24290284); c.2290C>T , p.Arg764Cys (PMID: 25104208) (not classified by SCID VCEP yet) in the same codon have been reported. In summary, this variant meets the criteria to be classified as a variant of uncertain significance for autosomal recessive severe combined immunodeficiency due to RAG1 deficiency based on the ACMG/AMP criteria applied, as specified by the ClinGen SCID VCEP: PM1_supporting, PM2_Supporting (VCEP specifications version 1).

Fulgent Genetics
Classification: Likely pathogenic for Combined immunodeficiency with skin granulomas; Severe combined immunodeficiency, autosomal recessive, T cell-negative, B cell-negative, NK cell-positive; Histiocytic medullary reticulosis; Combined immunodeficiency due to partial RAG1 deficiency. Last evaluated: 2024-02-02. Review status: criteria provided, single submitter. Criteria: ACMG Guidelines, 2015. Collection method: clinical testing. Allele origin: germline. Not counted in ClinVar's aggregate classification.

GeneDx
Classification: Pathogenic. Last evaluated: 2023-02-10. Review status: criteria provided, single submitter. Criteria: GeneDx Variant Classification Process June 2021. Collection method: clinical testing. Allele origin: germline. Affected: yes. Not counted in ClinVar's aggregate classification.
Comment: In vitro recombination activity assay demonstrated a 22% activity in R764H cells as compared to wild type cells (Kato et al., 2015); Not observed at a significant frequency in large population cohorts (gnomAD); In silico analysis supports that this missense variant has a deleterious effect on protein structure/function; This variant is associated with the following publications: (PMID: 25739914, 26996199, 24290284, 11971977, 27825771)

Labcorp Genetics (formerly Invitae), Labcorp
Classification: Uncertain significance for Combined immunodeficiency with skin granulomas; Severe combined immunodeficiency, autosomal recessive, T cell-negative, B cell-negative, NK cell-positive. Last evaluated: 2022-07-18. Review status: criteria provided, single submitter. Criteria: Invitae Variant Classification Sherloc (09022015). Collection method: clinical testing. Allele origin: germline. Not counted in ClinVar's aggregate classification.
Comment: This sequence change replaces arginine, which is basic and polar, with histidine, which is basic and polar, at codon 764 of the RAG1 protein (p.Arg764His). This variant is present in population databases (rs768809293, gnomAD 0.002%). This missense change has been observed in individual(s) with selective immunoglobulin A deficiency (PMID: 25739914). ClinVar contains an entry for this variant (Variation ID: 1050623). Advanced modeling of protein sequence and biophysical properties (such as structural, functional, and spatial information, amino acid conservation, physicochemical variation, residue mobility, and thermodynamic stability) performed at Invitae indicates that this missense variant is expected to disrupt RAG1 protein function. Experimental studies have shown that this missense change affects RAG1 function (PMID: 25739914). This variant disrupts the p.Arg764 amino acid residue in RAG1. Other variant(s) that disrupt this residue have been observed in individuals with RAG1-related conditions (PMID: 24290284, 25104208, 33954879), which suggests that this may be a clinically significant amino acid residue. In summary, the available evidence is currently insufficient to determine the role of this variant in disease. Therefore, it has been classified as a Variant of Uncertain Significance.

Department of Pathology and Laboratory Medicine, Sinai Health System
Classification: Likely pathogenic. Review status: no assertion criteria provided. Collection method: clinical testing. Allele origin: unknown. Affected: yes. Study: The Canadian Open Genetics Repository (COGR). Not counted in ClinVar's aggregate classification.
Comment: Functional analysis of the p.R764H+p.E455K complex allele showed 22.42% RAG1 activity compared to wildtype; whereas the p.R764H and p.E455K variants on their own had 22.42% and 13.73% activity respectively, demonstrating that these alleles have a synergistic effect (Kato_2015_PMID:25739914). The variant was identified in dbSNP (ID: rs768809293) but was not identified in ClinVar and LOVD 3.0. The variant was identified in control databases in 3 of 282738 chromosomes at a frequency of 0.00001061 (Genome Aggregation Database March 6, 2019, v2.1.1). The variant was observed in the following populations: European (non-Finnish) in 3 of 129084 chromosomes (freq: 0.000023), but was not observed in the African, Latino, Ashkenazi Jewish, East Asian, European (Finnish), Other, or South Asian populations. The p.Arg764 residue is conserved across mammals and other organisms, and four out of five computational analyses (PolyPhen-2, SIFT, AlignGVGD, BLOSUM, MutationTaster) suggest that the variant may impact the protein; however, this information is not predictive enough to assume pathogenicity. The variant occurs outside of the splicing consensus sequence and in silico or computational prediction software programs (SpliceSiteFinder, MaxEntScan, NNSPLICE, GeneSplicer) do not predict a difference in splicing. In summary, based on the above information the clinical significance of this variant cannot be determined with certainty at this time although we would lean towards a more pathogenic role for this variant. This variant is classified as likely pathogenic.

Literature cited by the submitters: PubMed 25739914 (cited by Labcorp Genetics (formerly Invitae), Labcorp); PubMed 24290284 (cited by Labcorp Genetics (formerly Invitae), Labcorp); PubMed 25104208 (cited by Labcorp Genetics (formerly Invitae), Labcorp); PubMed 33954879 (cited by Labcorp Genetics (formerly Invitae), Labcorp).

NM_000448.3(RAG1):c.2291G>A (p.Arg764His)

Gene: RAG1 (recombination activating 1; plus strand). Cytogenetic location: 11p12.
Variant type: single nucleotide variant.
Coding change: c.2291G>A on transcript NM_000448.3 (MANE Select); coding-DNA position 2291, G replaced by A.
Protein change: p.Arg764His; replaces arginine 764 with histidine.
Molecular consequence: missense variant.
Genome position (GRCh38, 1-based): chr11:36,575,595, G>A. VCF-style: chr11-36575595-G-A. GRCh37 (hg19) VCF-style: chr11-36597145-G-A.
Other names: NM_000448.3(RAG1):c.2291G>A; p.Arg764His; c.2291G>A, p.Arg764His (NM_001377277.1, NM_001377278.1, NM_001377279.1 and 1 more transcripts); c.2291G>A (NM_000448.2); short protein forms R764H.
Identifiers: ClinVar variation 1050623 (VCV001050623.8), dbSNP rs768809293, ClinGen allele CA5950243.